The following is an entry in ClinVar:

ClinVar aggregate classification (germline): Likely benign. Review status: criteria provided, multiple submitters, no conflicts (2 of 4 stars). 4 submissions from 4 submitters: Likely benign (4). Last evaluated 2024-02-24.

Conditions:
Microcephaly, normal intelligence and immunodeficiency (NBS). Also called: Immunodeficiency, microcephaly with normal intelligence; Ataxia telangiectasia variant V1; IMMUNODEFICIENCY, MICROCEPHALY, AND CHROMOSOMAL INSTABILITY; BERLIN BREAKAGE SYNDROME; SEEMANOVA SYNDROME II; Nijmegen breakage syndrome. Identifiers: Orphanet 647, MedGen C0398791, MONDO:0009623, OMIM 251260.
Hereditary cancer-predisposing syndrome. Also called: Neoplastic Syndromes, Hereditary; Hereditary neoplastic syndrome; Tumor predisposition; Hereditary Cancer Syndrome. Identifiers: Orphanet 140162, MedGen C0027672, MeSH D009386, MONDO:0015356.

Allele frequency attached by ClinVar (database versions not stated): gnomAD exomes below 0.00001.
gnomAD v4.1: 3 of 1,613,146 alleles (0.00019%); highest among the groups gnomAD compares: Middle Eastern, 0.017%; no homozygotes.

Submissions (4):

Labcorp Genetics (formerly Invitae), Labcorp
Classification: Likely benign for Microcephaly, normal intelligence and immunodeficiency. Last evaluated: 2024-02-24. Review status: criteria provided, single submitter. Criteria: Invitae Variant Classification Sherloc (09022015). Collection method: clinical testing. Allele origin: germline.

Ambry Genetics
Classification: Likely benign for Hereditary cancer-predisposing syndrome. Last evaluated: 2021-05-07. Review status: criteria provided, single submitter. Criteria: Ambry Variant Classification Scheme 2023. Collection method: clinical testing. Allele origin: germline.

GeneDx
Classification: Likely benign. Last evaluated: 2018-10-10. Review status: criteria provided, single submitter. Criteria: GeneDx Variant Classification Process June 2021. Collection method: clinical testing. Allele origin: germline. Affected: yes.
Comment: See Variant Classification Assertion Criteria.

PreventionGenetics, part of Exact Sciences
Classification: Likely benign. Last evaluated: 2017-10-05. Review status: criteria provided, single submitter. Criteria: ACMG Guidelines, 2015. Collection method: clinical testing. Allele origin: germline.

NM_002485.5(NBN):c.453C>T (p.Val151=)

Gene: NBN (nibrin; minus strand). Cytogenetic location: 8q21.3.
Variant type: single nucleotide variant.
Coding change: c.453C>T on transcript NM_002485.5 (MANE Select); coding-DNA position 453, C replaced by T.
Protein change: p.Val151=; no amino-acid change (valine 151 retained).
Molecular consequence: synonymous variant.
Genome position (GRCh38, 1-based): chr8:89,980,761, G>A on the plus strand (C>T on the coding strand, the complement: NBN is on the minus strand). VCF-style: chr8-89980761-G-A. GRCh37 (hg19) VCF-style: chr8-90992989-G-A.
Other names: c.207C>T, p.Val69= (NM_001024688.3).
Identifiers: ClinVar variation 530772 (VCV000530772.13), dbSNP rs1176879721, ClinGen allele CA461831346.
Genomic context (GRCh38, chr8:89,980,761, plus strand): 5'-ATTTTTAACATAAGAACAAGACATTCAACCTACTTTAATGGTAACTTTCACTGATACCAT[G>A]ACAAGGTGAGTGCATTCTTCTGTCCAATTGTTTACAGTAAATCCTCCAAGTTGCAATATA-3'
Protein context (NP_002476.2, residues 141-161): NNWTEECTHL[Val151=]MVSVKVTIKT